The following is an entry in ClinVar:

ClinVar aggregate classification (germline): Likely pathogenic (0 of 4 stars; one submission).

Conditions:
ADAMTS17-related disorder. Also called: ADAMTS17-related condition.

Submission:

PreventionGenetics, part of Exact Sciences
Classification: Likely pathogenic for ADAMTS17-related condition. Last evaluated: 2023-11-21. Review status: no assertion criteria provided. Collection method: clinical testing. Allele origin: germline.
Comment: The ADAMTS17 c.354_367del14 variant is predicted to result in a frameshift and premature protein termination (p.Gly119Alafs*70). To our knowledge, this variant has not been reported in the literature or in a large population database, indicating this variant is rare. Frameshift variants in ADAMTS17 are expected to be pathogenic. This variant is interpreted as likely pathogenic.

NM_139057.4(ADAMTS17):c.354_367del (p.Gly119fs)

Gene: ADAMTS17 (ADAM metallopeptidase with thrombospondin type 1 motif 17; minus strand). Cytogenetic location: 15q26.3.
Variant type: Deletion.
Coding change: c.354_367del on transcript NM_139057.4 (MANE Select); coding-DNA positions 354 to 367, 14 bases deleted (CGGCCGCCCCGCCG).
Protein change: p.Gly119fs; shifts the reading frame from glycine 119.
Molecular consequence: frameshift variant.
Genome position (GRCh38, 1-based): chr15:100,341,122-100,341,135, CGGCGGGGCGGCCG deleted on the plus strand (CGGCCGCCCCGCCG on the coding strand, the reverse complement: ADAMTS17 is on the minus strand); deleting any 14 consecutive bases within chr15:100,341,122-100,341,140 gives the same sequence; the c. name uses the placement nearest the transcript's 3' end. VCF-style (leftmost placement, unchanged base first): chr15-100341121-TCGGCGGGGCGGCCG-T. GRCh37 (hg19) VCF-style: chr15-100881326-TCGGCGGGGCGGCCG-T.
Other names: short protein forms G119fs.
Identifiers: ClinVar variation 3032886 (VCV003032886.2), dbSNP rs2548992701, ClinGen allele CA2740096791.